The following is an entry in ClinVar:

ClinVar aggregate classification (germline): Likely benign. Review status: criteria provided, single submitter (1 of 4 stars). 2 submissions from 2 submitters: Likely benign (1). 1 of the submissions does not count toward it. Last evaluated 2026-02-01.

Conditions:
FMN2-related disorder. Also called: FMN2-related condition.

Allele frequency attached by ClinVar (database versions not stated): ExAC 0.00029.

Submissions (2):

CeGaT Center for Human Genetics Tuebingen
Classification: Likely benign. Last evaluated: 2026-02-01. Review status: criteria provided, single submitter. Criteria: CeGaT Center For Human Genetics Tuebingen Variant Classification Criteria Version 2. Collection method: clinical testing. Allele origin: germline. Affected: yes. Observed: 5 variant alleles.
Comment: FMN2: BP4, BP7

PreventionGenetics, part of Exact Sciences
Classification: Likely benign for FMN2-related condition. Last evaluated: 2022-06-14. Review status: no assertion criteria provided. Collection method: clinical testing. Allele origin: germline. Not counted in ClinVar's aggregate classification.
Comment: This variant is classified as likely benign based on ACMG/AMP sequence variant interpretation guidelines (Richards et al. 2015 PMID: 25741868, with internal and published modifications).

NM_020066.5(FMN2):c.3240T>A (p.Leu1080=)

Gene: FMN2 (formin 2; plus strand). Cytogenetic location: 1q43.
Variant type: single nucleotide variant.
Coding change: c.3240T>A on transcript NM_020066.5 (MANE Select); coding-DNA position 3240, T replaced by A.
Protein change: p.Leu1080=; no amino-acid change (leucine 1080 retained).
Molecular consequence: synonymous variant. On other transcripts: intron variant (1).
Genome position (GRCh38, 1-based): chr1:240,208,052, T>A. VCF-style: chr1-240208052-T-A. GRCh37 (hg19) VCF-style: chr1-240371352-T-A.
Other names: c.3252T>A, p.Leu1084= (NM_001305424.2); c.1986+19790T>A (NM_001348094.2).
Identifiers: ClinVar variation 3031440 (VCV003031440.20), dbSNP rs1222229278, ClinGen allele CA1477051.
Genomic context (GRCh38, chr1:240,208,052, plus strand): 5'-AGCGGGCATACCTCCTCCACCCCCTCTACCCGGAGCGGGCATACCCCCTCCGCCCCCACT[T>A]CCCGGAGCGGGCATACCCCCACCTCCCCCTCTACCCGGAGCGGGCATACCCCCTCCGCCC-3'
Protein context (NP_064450.3, residues 1070-1090): PGAGIPPPPP[Leu1080=]PGAGIPPPPP